The following is an entry in ClinVar:

NM_001330588.2(TPP2):c.482A>G (p.Asn161Ser)

Gene: TPP2 (tripeptidyl peptidase 2; plus strand). Cytogenetic location: 13q33.1.
Variant type: single nucleotide variant.
Coding change: c.482A>G on transcript NM_001330588.2 (MANE Select); coding-DNA position 482, A replaced by G.
Protein change: p.Asn161Ser; replaces asparagine 161 with serine.
Molecular consequence: missense variant. On other transcripts: non-coding transcript variant (1).
Genome position (GRCh38, 1-based): chr13:102,616,487, A>G. VCF-style: chr13-102616487-A-G. GRCh37 (hg19) VCF-style: chr13-103268837-A-G.
Other names: p.Asn161Ser; c.482A>G, p.Asn161Ser (NM_001367947.1, NM_003291.4); short protein forms N161S.
Identifiers: ClinVar variation 4541800 (VCV004541800.1).

ClinVar aggregate classification (germline): Uncertain significance (1 of 4 stars; one submission).

Submission:

Mayo Clinic Laboratories, Mayo Clinic
Classification: Uncertain significance. Last evaluated: 2025-07-24. Review status: criteria provided, single submitter. Criteria: ACMG Guidelines, 2015. Collection method: clinical testing. Allele origin: germline. Observed: 1 variant allele.
Comment: BP4_moderate, PM2_supporting